The following is an entry in ClinVar:

ClinVar aggregate classification (germline): Uncertain significance. Review status: criteria provided, multiple submitters, no conflicts (2 of 4 stars). 3 submissions from 3 submitters: Uncertain significance (3). Last evaluated 2025-10-31.

Conditions:
Cardiovascular phenotype. Identifiers: MedGen CN230736.
Hypertrophic cardiomyopathy. Also called: HYPERTROPHIC MYOCARDIOPATHY. Identifiers: Orphanet 217569, MedGen C0007194, MeSH D002312, MONDO:0005045, HP:0001639.
Cardiomyopathy (CMYO). Also called: Cardiomyopathies. Identifiers: Orphanet 167848, MedGen C0878544, MONDO:0004994, HP:0001638. Inheritance: Various modes of inheritance.

Allele frequency attached by ClinVar (database versions not stated): gnomAD exomes below 0.00001.
gnomAD v4.1: 2 of 1,614,190 alleles (0.00012%); highest among the groups gnomAD compares: Admixed American, 0.0017%; no homozygotes.

Submissions (3):

Ambry Genetics
Classification: Uncertain significance for Cardiovascular phenotype. Last evaluated: 2025-10-31. Review status: criteria provided, single submitter. Criteria: Ambry Variant Classification Scheme 2023. Collection method: clinical testing. Allele origin: germline.
Comment: The p.K1651N variant (also known as c.4953G>C), located in coding exon 32 of the MYH7 gene, results from a G to C substitution at nucleotide position 4953. The lysine at codon 1651 is replaced by asparagine, an amino acid with similar properties. However, this change occurs in the last base pair of coding exon 32, which makes it likely to have some effect on normal mRNA splicing. This nucleotide position is highly conserved in available vertebrate species. This amino acid position is highly conserved in available vertebrate species. In silico splice site analysis predicts that this alteration will weaken the native splice donor site and may result in the creation or strengthening of a novel splice donor site. In addition, as a missense substitution this alteration is predicted to be tolerated by in silico analysis. However, loss of function has not been established as a mechanism of disease. Based on the available evidence, the clinical significance of this alteration remains unclear.

Labcorp Genetics (formerly Invitae), Labcorp
Classification: Uncertain significance for Hypertrophic cardiomyopathy. Last evaluated: 2023-09-22. Review status: criteria provided, single submitter. Criteria: Invitae Variant Classification Sherloc (09022015). Collection method: clinical testing. Allele origin: germline.
Comment: This sequence change replaces lysine, which is basic and polar, with asparagine, which is neutral and polar, at codon 1651 of the MYH7 protein (p.Lys1651Asn). This variant also falls at the last nucleotide of exon 34, which is part of the consensus splice site for this exon. This variant is not present in population databases (gnomAD no frequency). This variant has not been reported in the literature in individuals affected with MYH7-related conditions. An algorithm developed to predict the effect of missense changes on protein structure and function (PolyPhen-2) suggests that this variant is likely to be disruptive. Variants that disrupt the consensus splice site are a relatively common cause of aberrant splicing (PMID: 17576681, 9536098). Algorithms developed to predict the effect of sequence changes on RNA splicing suggest that this variant may disrupt the consensus splice site. In summary, the available evidence is currently insufficient to determine the role of this variant in disease. Therefore, it has been classified as a Variant of Uncertain Significance.

All of Us Research Program, National Institutes of Health
Classification: Uncertain significance for Cardiomyopathy. Last evaluated: 2023-06-08. Review status: criteria provided, single submitter. Criteria: ACMG Guidelines, 2015. Collection method: clinical testing. Allele origin: germline. Inheritance: Autosomal dominant inheritance. Observed: 1 variant allele, 1 heterozygote.
Comment: This missense variant replaces lysine with asparagine at codon 1651 of the MYH7 protein. Computational prediction is inconclusive regarding the impact of this variant on protein structure and function (internally defined REVEL score threshold 0.5 < inconclusive < 0.7, PMID: 27666373). To our knowledge, functional studies have not been reported for this variant. This variant has not been reported in individuals affected with MYH7-related disorders in the literature. This variant has not been identified in the general population by the Genome Aggregation Database (gnomAD). The available evidence is insufficient to determine the role of this variant in disease conclusively. Therefore, this variant is classified as a Variant of Uncertain Significance.

This study involves interpretation of variants in research participants for the purpose of population health screening. Participant phenotype was not available at the time of variant classification. Additional details can be found in publication PMID: 35346344, PMCID: PMC8962531

Literature cited by the submitters: PubMed 17576681 (cited by Labcorp Genetics (formerly Invitae), Labcorp); PubMed 9536098 (cited by Labcorp Genetics (formerly Invitae), Labcorp).

NM_000257.4(MYH7):c.4953G>C (p.Lys1651Asn)

Genes: MHRT (myosin heavy chain associated RNA transcript; plus strand), MYH7 (myosin heavy chain 7; minus strand), LOC126861897 (BRD4-independent group 4 enhancer GRCh37_chr14:23884455-23885654; plus strand). Cytogenetic location: 14q11.2.
Variant type: single nucleotide variant.
Coding change: c.4953G>C on transcript NM_000257.4 (MANE Select); coding-DNA position 4953, G replaced by C.
Protein change: p.Lys1651Asn; replaces lysine 1651 with asparagine.
Molecular consequence: missense variant. On other transcripts: non-coding transcript variant (1).
Genome position (GRCh38, 1-based): chr14:23,416,004, C>G on the plus strand (G>C on the coding strand, the complement: MYH7 is on the minus strand). VCF-style: chr14-23416004-C-G. GRCh37 (hg19) VCF-style: chr14-23885213-C-G.
Other names: c.4953G>C, p.Lys1651Asn (NM_001407004.1); short protein forms K1651N.
Identifiers: ClinVar variation 2999708 (VCV002999708.5), dbSNP rs1892187995, ClinGen allele CA389037276.